The following is an entry in ClinVar:

NM_006306.4(SMC1A):c.1961G>T (p.Gly654Val)

Gene: SMC1A (structural maintenance of chromosomes 1A; minus strand). Cytogenetic location: Xp11.22.
Variant type: single nucleotide variant.
Coding change: c.1961G>T on transcript NM_006306.4 (MANE Select); coding-DNA position 1961, G replaced by T.
Protein change: p.Gly654Val; replaces glycine 654 with valine.
Molecular consequence: missense variant.
Genome position (GRCh38, 1-based): chrX:53,405,342, C>A on the plus strand (G>T on the coding strand, the complement: SMC1A is on the minus strand). VCF-style: chrX-53405342-C-A. GRCh37 (hg19) VCF-style: chrX-53432274-C-A.
Other names: c.1895G>T, p.Gly632Val (NM_001281463.1); short protein forms G632V, G654V.
Identifiers: ClinVar variation 2711171 (VCV002711171.3), dbSNP rs2520927817, ClinGen allele CA413252454.

ClinVar aggregate classification (germline): Pathogenic (1 of 4 stars; one submission).

Conditions:
Congenital muscular hypertrophy-cerebral syndrome (CDLS2). Also called: Cornelia de Lange syndrome 2; SMC1A-Related Cornelia de Lange Syndrome. Identifiers: Orphanet 199, MedGen C1802395, MONDO:0010370, OMIM 300590.

Submission:

Labcorp Genetics (formerly Invitae), Labcorp
Classification: Pathogenic for Congenital muscular hypertrophy-cerebral syndrome. Last evaluated: 2024-08-30. Review status: criteria provided, single submitter. Criteria: Invitae Variant Classification Sherloc (09022015). Collection method: clinical testing. Allele origin: germline.
Comment: This sequence change replaces glycine, which is neutral and non-polar, with valine, which is neutral and non-polar, at codon 654 of the SMC1A protein (p.Gly654Val). This variant is not present in population databases (gnomAD no frequency). This missense change has been observed in individual(s) with SMC1A-related conditions (internal data). In at least one individual the variant was observed to be de novo. Invitae Evidence Modeling of protein sequence and biophysical properties (such as structural, functional, and spatial information, amino acid conservation, physicochemical variation, residue mobility, and thermodynamic stability) indicates that this missense variant is expected to disrupt SMC1A protein function with a positive predictive value of 80%. For these reasons, this variant has been classified as Pathogenic.